The following is an entry in ClinVar:

NM_001130021.3(ATP6V0A1):c.2203A>G (p.Thr735Ala)

Gene: ATP6V0A1 (ATPase H+ transporting V0 subunit a1; plus strand). Cytogenetic location: 17q21.2.
Variant type: single nucleotide variant.
Coding change: c.2203A>G on transcript NM_001130021.3 (MANE Select); coding-DNA position 2203, A replaced by G.
Protein change: p.Thr735Ala; replaces threonine 735 with alanine.
Molecular consequence: missense variant.
Genome position (GRCh38, 1-based): chr17:42,513,933, A>G. VCF-style: chr17-42513933-A-G. GRCh37 (hg19) VCF-style: chr17-40665951-A-G.
Other names: c.2206A>G, p.Thr736Ala (NM_001130020.3, NM_001378541.1); c.2224A>G, p.Thr742Ala (NM_001378522.1, NM_001378539.1); c.2098A>G, p.Thr700Ala (NM_001378523.1); c.2401A>G, p.Thr801Ala (NM_001378530.1); c.2347A>G, p.Thr783Ala (NM_001378531.1); c.2329A>G, p.Thr777Ala (NM_001378532.1); c.2326A>G, p.Thr776Ala (NM_001378533.1); c.2299A>G, p.Thr767Ala (NM_001378534.1); and 15 more; short protein forms T653A, T658A, T659A, T664A, T665A, T675A, T676A, T686A.
Identifiers: ClinVar variation 3371639 (VCV003371639.2).

ClinVar aggregate classification (germline): Uncertain significance (1 of 4 stars; one submission).

Submission:

GeneDx
Classification: Uncertain significance. Last evaluated: 2026-10-26. Review status: criteria provided, single submitter. Criteria: GeneDx Variant Classification Process June 2021. Collection method: clinical testing. Allele origin: germline.
Comment: Has not been previously published as pathogenic or benign to our knowledge; Not observed at significant frequency in large population cohorts (gnomAD); In silico analysis supports that this missense variant has a deleterious effect on protein structure/function